The following is an entry in ClinVar:

ClinVar aggregate classification (germline): Uncertain significance (1 of 4 stars; one submission).

Submission:

Mayo Clinic Laboratories, Mayo Clinic
Classification: Uncertain significance. Last evaluated: 2024-12-26. Review status: criteria provided, single submitter. Criteria: ACMG Guidelines, 2015. Collection method: clinical testing. Allele origin: germline. Observed: 1 variant allele.
Comment: PP3_moderate, PM2_supporting

NM_015915.5(ATL1):c.503C>G (p.Thr168Arg)

Gene: ATL1 (atlastin GTPase 1; plus strand). Cytogenetic location: 14q22.1.
Variant type: single nucleotide variant.
Coding change: c.503C>G on transcript NM_015915.5 (MANE Select); coding-DNA position 503, C replaced by G.
Protein change: p.Thr168Arg; replaces threonine 168 with arginine.
Molecular consequence: missense variant.
Genome position (GRCh38, 1-based): chr14:50,591,620, C>G. VCF-style: chr14-50591620-C-G. GRCh37 (hg19) VCF-style: chr14-51058338-C-G.
Other names: p.Thr168Arg; c.503C>G, p.Thr168Arg (NM_001127713.1, NM_181598.4); short protein forms T168R.
Identifiers: ClinVar variation 4541828 (VCV004541828.1).